The following is an entry in ClinVar:

ClinVar aggregate classification (germline): Pathogenic (1 of 4 stars; one submission).

Conditions:
Methylmalonic aciduria, cblA type (MACA). Also called: Methylmalonic aciduria, vitamin b12-responsive, due to defect in synthesis of adenosylcobalamin, cbla complementation type; MMA cbl A type; Methylmalonic acidemia cblA type; Vitamin B12-responsive methylmalonic acidemia type cblA; Methylmalonic aciduria, vitamin B12-responsive. Identifiers: Orphanet 28, Orphanet 79310, MedGen C1855109, MONDO:0009613, OMIM 251100.

Submission:

Labcorp Genetics (formerly Invitae), Labcorp
Classification: Pathogenic for Methylmalonic aciduria, cblA type. Last evaluated: 2021-09-19. Review status: criteria provided, single submitter. Criteria: Invitae Variant Classification Sherloc (09022015). Collection method: clinical testing. Allele origin: germline.
Comment: This sequence change creates a premature translational stop signal (p.Ser46Argfs*19) in the MMAA gene. It is expected to result in an absent or disrupted protein product. Loss-of-function variants in MMAA are known to be pathogenic (PMID: 15523652, 15781192). This variant is not present in population databases (ExAC no frequency). This variant has not been reported in the literature in individuals affected with MMAA-related conditions. For these reasons, this variant has been classified as Pathogenic.

Literature cited by the submitters: PubMed 15523652; PubMed 15781192.

NM_172250.3(MMAA):c.127_134dup (p.Ser46fs)

Gene: MMAA (metabolism of cobalamin associated A; plus strand). Cytogenetic location: 4q31.21.
Variant type: Duplication.
Coding change: c.127_134dup on transcript NM_172250.3 (MANE Select); coding-DNA positions 127 to 134, 8 bases duplicated (CCGTTTAA; older notation c.127_134dupCCGTTTAA).
Protein change: p.Ser46fs; shifts the reading frame from serine 46.
Molecular consequence: frameshift variant.
Genome position (GRCh38, 1-based): chr4:145,639,266-145,639,273, CCGTTTAA duplicated. VCF-style (leftmost placement, unchanged base first): chr4-145639265-G-GCCGTTTAA. GRCh37 (hg19) VCF-style: chr4-146560417-G-GCCGTTTAA.
Other names: c.127_134dup, p.Ser46fs (NM_001375644.1); short protein forms S46fs.
Identifiers: ClinVar variation 1374022 (VCV001374022.6), dbSNP rs2126617138, ClinGen allele CA2573138132.